The following is an entry in ClinVar:

ClinVar aggregate classification (germline): Uncertain significance. Review status: criteria provided, multiple submitters, no conflicts (2 of 4 stars). 2 submissions from 2 submitters: Uncertain significance (2). Last evaluated 2025-11-17.

Conditions:
Distal hereditary motor neuropathy type 2. Identifiers: Orphanet 139525, MedGen C3711384, MeSH C580044, MONDO:0015352.

Allele frequency attached by ClinVar (database versions not stated): TOPMed 0.00002; gnomAD 0.00003.
gnomAD v4.1: 18 of 1,614,084 alleles (0.0011%); highest among the groups gnomAD compares: Non-Finnish European, 0.0014%; no homozygotes.

Submissions (2):

Labcorp Genetics (formerly Invitae), Labcorp
Classification: Uncertain significance for Distal hereditary motor neuropathy type 2. Last evaluated: 2025-11-17. Review status: criteria provided, single submitter. Criteria: Invitae Variant Classification Sherloc (09022015). Collection method: clinical testing. Allele origin: germline.
Comment: This sequence change replaces glycine, which is neutral and non-polar, with aspartic acid, which is acidic and polar, at codon 734 of the FBXO38 protein (p.Gly734Asp). This variant is present in population databases (no rsID available, gnomAD 0.007%). This variant has not been reported in the literature in individuals affected with FBXO38-related conditions. ClinVar contains an entry for this variant (Variation ID: 568649). Invitae Evidence Modeling of protein sequence and biophysical properties (such as structural, functional, and spatial information, amino acid conservation, physicochemical variation, residue mobility, and thermodynamic stability) indicates that this missense variant is not expected to disrupt FBXO38 protein function with a negative predictive value of 80%. In summary, the available evidence is currently insufficient to determine the role of this variant in disease. Therefore, it has been classified as a Variant of Uncertain Significance.

Ambry Genetics
Classification: Uncertain significance. Last evaluated: 2021-08-17. Review status: criteria provided, single submitter. Criteria: Ambry Variant Classification Scheme 2023. Collection method: clinical testing. Allele origin: germline.
Comment: The p.G734D variant (also known as c.2201G>A), located in coding exon 14 of the FBXO38 gene, results from a G to A substitution at nucleotide position 2201. The glycine at codon 734 is replaced by aspartic acid, an amino acid with similar properties. This amino acid position is poorly conserved in available vertebrate species. In addition, this alteration is predicted to be tolerated by in silico analysis. Since supporting evidence is limited at this time, the clinical significance of this alteration remains unclear.

NM_205836.3(FBXO38):c.2201G>A (p.Gly734Asp)

Gene: FBXO38 (F-box protein 38; plus strand). Cytogenetic location: 5q32.
Variant type: single nucleotide variant.
Coding change: c.2201G>A on transcript NM_205836.3 (MANE Select); coding-DNA position 2201, G replaced by A.
Protein change: p.Gly734Asp; replaces glycine 734 with aspartic acid.
Molecular consequence: missense variant. On other transcripts: intron variant (1).
Genome position (GRCh38, 1-based): chr5:148,427,495, G>A. VCF-style: chr5-148427495-G-A. GRCh37 (hg19) VCF-style: chr5-147807058-G-A.
Other names: c.2201G>A, p.Gly734Asp (NM_030793.5); c.1918+1794G>A (NM_001271723.2); short protein forms G734D.
Identifiers: ClinVar variation 568649 (VCV000568649.15), dbSNP rs745545823, ClinGen allele CA361657243.